The following is an entry in ClinVar:

NM_001089.3(ABCA3):c.4944C>T (p.Val1648=)

Gene: ABCA3 (ATP binding cassette subfamily A member 3; minus strand). Cytogenetic location: 16p13.3.
Variant type: single nucleotide variant.
Coding change: c.4944C>T on transcript NM_001089.3 (MANE Select); coding-DNA position 4944, C replaced by T.
Protein change: p.Val1648=; no amino-acid change (valine 1648 retained).
Molecular consequence: synonymous variant.
Genome position (GRCh38, 1-based): chr16:2,277,636, G>A on the plus strand (C>T on the coding strand, the complement: ABCA3 is on the minus strand). VCF-style: chr16-2277636-G-A. GRCh37 (hg19) VCF-style: chr16-2327637-G-A.
Identifiers: ClinVar variation 787641 (VCV000787641.41), dbSNP rs142584479, ClinGen allele CA7839954.
Genomic context (GRCh38, chr16:2,277,636, plus strand): 5'-GGGCCCCAGGGACTGCCTCACCTTCGCCCAGCTGAGGTCACGGCCCGGCAGGTGGTAATG[G>A]ACCATGCCTTGGTGCTCATCTTCCAGGACGCTGCCTGCACAAAGGAGAGACGGTGTTGCT-3'
Protein context (NP_001080.2, residues 1638-1658): SVLEDEHQGM[Val1648=]HYHLPGRDLS

ClinVar aggregate classification (germline): Conflicting classifications of pathogenicity. Review status: criteria provided, conflicting classifications (1 of 4 stars). 7 submissions from 7 submitters: Uncertain significance (2); Likely benign (5). Last evaluated 2026-03-01.

Conditions:
Interstitial lung disease due to ABCA3 deficiency. Also called: PULMONARY ALVEOLAR PROTEINOSIS, CONGENITAL, 3. Identifiers: Orphanet 440402, MedGen C1970456, MONDO:0012582, OMIM 610921.
Hereditary pulmonary alveolar proteinosis. Also called: Pulmonary surfactant metabolism dysfunction. Identifiers: Orphanet 264675, MedGen C3711368, MONDO:0012580.

Allele frequency attached by ClinVar (database versions not stated): 1000 Genomes Project 0.00080; ExAC 0.00107; gnomAD exomes 0.00114 and 0.00268; 1000 Genomes Project 30x 0.00062; gnomAD 0.00158 and 0.00160; TOPMed 0.00178; ESP Exome Variant Server 0.00246.
gnomAD v4.1: 4,168 of 1,613,170 alleles (0.26%); highest among the groups gnomAD compares: Non-Finnish European, 0.33%; 17 homozygotes.

Submissions (7):

CeGaT Center for Human Genetics Tuebingen
Classification: Likely benign. Last evaluated: 2026-03-01. Review status: criteria provided, single submitter. Criteria: CeGaT Center For Human Genetics Tuebingen Variant Classification Criteria Version 2. Collection method: clinical testing. Allele origin: germline. Affected: yes. Observed: 5 variant alleles.
Comment: ABCA3: BP4, BP7, BS2

Labcorp Genetics (formerly Invitae), Labcorp
Classification: Likely benign. Last evaluated: 2026-02-01. Review status: criteria provided, single submitter. Criteria: Invitae Variant Classification Sherloc (09022015). Collection method: clinical testing. Allele origin: germline.

Blueprint Genetics
Classification: Likely benign. Last evaluated: 2024-11-27. Review status: criteria provided, single submitter. Criteria: ACMG Guidelines, 2015. Collection method: clinical testing. Allele origin: germline.

Ambry Genetics
Classification: Likely benign for Hereditary pulmonary alveolar proteinosis. Last evaluated: 2020-01-16. Review status: criteria provided, single submitter. Criteria: Ambry Variant Classification Scheme 2023. Collection method: clinical testing. Allele origin: germline.

GeneDx
Classification: Likely benign. Last evaluated: 2019-04-18. Review status: criteria provided, single submitter. Criteria: GeneDx Variant Classification Process June 2021. Collection method: clinical testing. Allele origin: germline. Affected: yes.
Comment: See Variant Classification Assertion Criteria.

Baylor Genetics
Classification: Uncertain significance for Interstitial lung disease due to ABCA3 deficiency. Last evaluated: 2018-05-09. Review status: criteria provided, single submitter. Criteria: ACMG Guidelines, 2015. Collection method: clinical testing. Allele origin: paternal. Affected: yes.
Comment: This variant was determined to be of uncertain significance according to ACMG Guidelines, 2015 [PMID:25741868].

Illumina Laboratory Services, Illumina
Classification: Uncertain significance for Interstitial lung disease due to ABCA3 deficiency. Last evaluated: 2017-04-27. Review status: criteria provided, single submitter. Criteria: ICSL Variant Classification Criteria 13 December 2019. Collection method: clinical testing. Allele origin: germline.
Comment: This variant was observed as part of a predisposition screen in an ostensibly healthy population. A literature search was performed for the gene, cDNA change, and amino acid change (where applicable). Publications were found based on this search. However, the evidence from the literature, in combination with allele frequency data from public databases where available, was not sufficient to rule this variant in or out of causing disease. Therefore, this variant is classified as a variant of unknown significance.

Literature cited by the submitters: PubMed 15044640 (cited by Illumina Laboratory Services, Illumina).